The following is an entry in ClinVar:

ClinVar aggregate classification (germline): Pathogenic (1 of 4 stars; one submission).

Conditions:
Isovaleryl-CoA dehydrogenase deficiency (IVA). Also called: ISOVALERIC ACID CoA DEHYDROGENASE DEFICIENCY; Isovaleric acidemia; IVD DEFICIENCY; Classic Isovaleric Acidemia. Identifiers: Orphanet 33, MedGen C0268575, MONDO:0009475, OMIM 243500.

Submission:

Labcorp Genetics (formerly Invitae), Labcorp
Classification: Pathogenic for Isovaleryl-CoA dehydrogenase deficiency. Last evaluated: 2023-12-30. Review status: criteria provided, single submitter. Criteria: Invitae Variant Classification Sherloc (09022015). Collection method: clinical testing. Allele origin: unknown.
Comment: This variant is a gross deletion of the genomic region encompassing exon(s) 12 of the IVD gene, which includes the termination codon. This deletion extends beyond the assayed region for this gene and therefore may encompass additional genes. While this deletion is not anticipated to lead to nonsense mediated decay, it is expected to alter mRNA translation or result in a truncated protein product. This variant has not been reported in the literature in individuals affected with IVD-related conditions. This variant disrupts a region of the IVD protein in which other variant(s) (p.Leu397Phefs*9) have been determined to be pathogenic (PMID: 2063866, 10713113, 22960500; Invitae). This suggests that this is a clinically significant region of the protein, and that variants that disrupt it are likely to be disease-causing. For these reasons, this variant has been classified as Pathogenic.

Literature cited by the submitters: PubMed 2063866; PubMed 10713113; PubMed 22960500.

NC_000015.9:g.(?_40710309)_(40710462_?)del

Gene: IVD (isovaleryl-CoA dehydrogenase; plus strand). Cytogenetic location: 15q15.1.
Variant type: Deletion.
Identifiers: ClinVar variation 3243761 (VCV003243761.1).